The following is an entry in ClinVar:

NM_015338.6(ASXL1):c.3863G>T (p.Gly1288Val)

Gene: ASXL1 (ASXL transcriptional regulator 1; plus strand). Cytogenetic location: 20q11.21.
Variant type: single nucleotide variant.
Coding change: c.3863G>T on transcript NM_015338.6 (MANE Select); coding-DNA position 3863, G replaced by T.
Protein change: p.Gly1288Val; replaces glycine 1288 with valine.
Molecular consequence: missense variant.
Genome position (GRCh38, 1-based): chr20:32,436,575, G>T. VCF-style: chr20-32436575-G-T. GRCh37 (hg19) VCF-style: chr20-31024378-G-T.
Other names: c.3680G>T, p.Gly1227Val (NM_001363734.1); short protein forms G1227V, G1288V.
Identifiers: ClinVar variation 5029709 (VCV005029709.1).

ClinVar aggregate classification (germline): Uncertain significance (1 of 4 stars; one submission).

Conditions:
Inborn genetic diseases. Identifiers: MedGen C0950123, MeSH D030342.

gnomAD v4.1: 1 of 1,614,208 alleles (0.000062%); highest among the groups gnomAD compares: African/African-American, 0.0013%; no homozygotes.

Submission:

Ambry Genetics
Classification: Uncertain significance for Inborn genetic diseases. Last evaluated: 2026-06-18. Review status: criteria provided, single submitter. Criteria: Ambry Variant Classification Scheme 2023. Collection method: clinical testing. Allele origin: germline.
Comment: The p.G1288V variant (also known as c.3863G>T), located in coding exon 13 of the ASXL1 gene, results from a G to T substitution at nucleotide position 3863. The glycine at codon 1288 is replaced by valine, an amino acid with dissimilar properties. This amino acid position is conserved. In addition, this alteration is predicted to be tolerated by in silico analysis. Based on the available evidence, the clinical significance of this variant remains unclear.